The following is an entry in ClinVar:

NM_004371.4(COPA):c.1270A>G (p.Asn424Asp)

Gene: COPA (coat protein complex I subunit alpha; minus strand). Cytogenetic location: 1q23.2.
Variant type: single nucleotide variant.
Coding change: c.1270A>G on transcript NM_004371.4 (MANE Select); coding-DNA position 1270, A replaced by G.
Protein change: p.Asn424Asp; replaces asparagine 424 with aspartic acid.
Molecular consequence: missense variant.
Genome position (GRCh38, 1-based): chr1:160,307,195, T>C on the plus strand (A>G on the coding strand, the complement: COPA is on the minus strand). VCF-style: chr1-160307195-T-C. GRCh37 (hg19) VCF-style: chr1-160276985-T-C.
Other names: c.1270A>G, p.Asn424Asp (NM_001098398.2); short protein forms N424D.
Identifiers: ClinVar variation 2420502 (VCV002420502.6), dbSNP rs2525391512, ClinGen allele CA343257261.

ClinVar aggregate classification (germline): Uncertain significance (1 of 4 stars; one submission).

Conditions:
Autoimmune interstitial lung disease-arthritis syndrome. Also called: Autoinflammation and autoimmunity, systemic, with immune dysregulation. Identifiers: Orphanet 444092, MedGen C5975714, MONDO:0014629.

Submission:

Labcorp Genetics (formerly Invitae), Labcorp
Classification: Uncertain significance for Autoimmune interstitial lung disease-arthritis syndrome. Last evaluated: 2022-08-15. Review status: criteria provided, single submitter. Criteria: Invitae Variant Classification Sherloc (09022015). Collection method: clinical testing. Allele origin: germline.
Comment: In summary, the available evidence is currently insufficient to determine the role of this variant in disease. Therefore, it has been classified as a Variant of Uncertain Significance. Algorithms developed to predict the effect of missense changes on protein structure and function are either unavailable or do not agree on the potential impact of this missense change (SIFT: "Deleterious"; PolyPhen-2: "Possibly Damaging"; Align-GVGD: "Class C15"). This variant has not been reported in the literature in individuals affected with COPA-related conditions. This variant is not present in population databases (gnomAD no frequency). This sequence change replaces asparagine, which is neutral and polar, with aspartic acid, which is acidic and polar, at codon 424 of the COPA protein (p.Asn424Asp).